The following is an entry in ClinVar:

ClinVar aggregate classification (germline): Uncertain significance. Review status: criteria provided, multiple submitters, no conflicts (2 of 4 stars). 2 submissions from 2 submitters: Uncertain significance (2). Last evaluated 2024-12-23.

Conditions:
Myofibrillar myopathy 5. Also called: Filaminopathy (type); FILAMINOPATHY, AUTOSOMAL DOMINANT. Identifiers: Orphanet 171445, MedGen C1836050, MONDO:0012289, OMIM 609524.
Distal myopathy with posterior leg and anterior hand involvement. Also called: WILLIAMS DISTAL MYOPATHY. Identifiers: Orphanet 63273, MedGen C3279722, MONDO:0013550, OMIM 614065.
Hypertrophic cardiomyopathy 26. Also called: Cardiomyopathy, familial hypertrophic, 26. Identifiers: Orphanet 75249, MedGen C4310749, MONDO:0014883, OMIM 617047.

Submissions (2):

GeneDx
Classification: Uncertain significance. Last evaluated: 2024-12-23. Review status: criteria provided, single submitter. Criteria: GeneDx Variant Classification Process June 2021. Collection method: clinical testing. Allele origin: germline. Affected: yes.
Comment: Not observed at significant frequency in large population cohorts (gnomAD); In-frame duplication of 3 amino acid(s) in a non-repeat region; Has not been previously published as pathogenic or benign to our knowledge

Labcorp Genetics (formerly Invitae), Labcorp
Classification: Uncertain significance for Distal myopathy with posterior leg and anterior hand involvement; Myofibrillar myopathy 5; Hypertrophic cardiomyopathy 26. Last evaluated: 2022-02-05. Review status: criteria provided, single submitter. Criteria: Invitae Variant Classification Sherloc (09022015). Collection method: clinical testing. Allele origin: germline.
Comment: In summary, the available evidence is currently insufficient to determine the role of this variant in disease. Therefore, it has been classified as a Variant of Uncertain Significance. Experimental studies and prediction algorithms are not available or were not evaluated, and the functional significance of this variant is currently unknown. ClinVar contains an entry for this variant (Variation ID: 970094). This variant has not been reported in the literature in individuals affected with FLNC-related conditions. This variant is not present in population databases (gnomAD no frequency). This variant, c.6568_6576dup, results in the insertion of 3 amino acid(s) of the FLNC protein (p.Arg2190_Glu2192dup), but otherwise preserves the integrity of the reading frame.

NM_001458.5(FLNC):c.6559CGCACGGAG[3] (p.2187RTE[3])

Genes: FLNC-AS1 (FLNC antisense RNA 1; minus strand), FLNC (filamin C; plus strand). Cytogenetic location: 7q32.1.
Variant type: Microsatellite.
Coding change: c.6559CGCACGGAG[3] on transcript NM_001458.5 (MANE Select); three copies in a row of the 9-base unit CGCACGGAG starting at c.6559; the reference has two copies in a row; one copy, 9 bases duplicated.
Protein change: p.2187RTE[3].
Molecular consequence: inframe insertion.
Genome position (GRCh38, 1-based): chr7:128,854,057-128,854,065, CGCACGGAG duplicated; duplicating any 9 consecutive bases within chr7:128,854,048-128,854,065 gives the same sequence; the position shown is the placement nearest the transcript's 3' end. VCF-style (leftmost placement, unchanged base first): chr7-128854047-C-CCGCACGGAG. GRCh37 (hg19) VCF-style: chr7-128494101-C-CCGCACGGAG.
Other names: c.6460CGCACGGAG[3], p.2154RTE[3] (NM_001127487.2).
Identifiers: ClinVar variation 970094 (VCV000970094.11), dbSNP rs1808941149, ClinGen allele CA1742578729.